The following is an entry in ClinVar:

ClinVar aggregate classification (germline): Uncertain significance. Review status: criteria provided, multiple submitters, no conflicts (2 of 4 stars). 3 submissions from 3 submitters: Uncertain significance (3). Last evaluated 2024-06-13.

Conditions:
Neuromuscular disease caused by qualitative or quantitative defects of dysferlin. Also called: Qualitative or quantitative defects of dysferlin; Dysferlinopathy. Identifiers: Orphanet 207073, MedGen C2931687, MONDO:0016145.

gnomAD v4.1: 7 of 1,614,036 alleles (0.00043%); highest among the groups gnomAD compares: Non-Finnish European, 0.00059%; no homozygotes.

Submissions (3):

Blueprint Genetics
Classification: Uncertain significance. Last evaluated: 2024-06-13. Review status: criteria provided, single submitter. Criteria: ACMG Guidelines, 2015. Collection method: clinical testing. Allele origin: germline.

Labcorp Genetics (formerly Invitae), Labcorp
Classification: Uncertain significance for Neuromuscular disease caused by qualitative or quantitative defects of dysferlin. Last evaluated: 2022-06-01. Review status: criteria provided, single submitter. Criteria: Invitae Variant Classification Sherloc (09022015). Collection method: clinical testing. Allele origin: germline.
Comment: This sequence change replaces arginine, which is basic and polar, with leucine, which is neutral and non-polar, at codon 1414 of the DYSF protein (p.Arg1414Leu). This variant is present in population databases (rs761337469, gnomAD 0.0009%). This missense change has been observed in individual(s) with clinical features of limb-girdle muscular dystrophy (PMID: 30564623). ClinVar contains an entry for this variant (Variation ID: 288303). Advanced modeling of protein sequence and biophysical properties (such as structural, functional, and spatial information, amino acid conservation, physicochemical variation, residue mobility, and thermodynamic stability) performed at Invitae indicates that this missense variant is not expected to disrupt DYSF protein function. In summary, the available evidence is currently insufficient to determine the role of this variant in disease. Therefore, it has been classified as a Variant of Uncertain Significance.

Eurofins Ntd Llc (ga)
Classification: Uncertain significance. Last evaluated: 2016-06-22. Review status: criteria provided, single submitter. Criteria: EGL Classification Definitions 2015. Collection method: clinical testing. Allele origin: germline. Observed: 1 variant allele, 1 heterozygote.

Literature cited by the submitters: PubMed 30564623 (cited by Labcorp Genetics (formerly Invitae), Labcorp).

NM_001130987.2(DYSF):c.4295G>T (p.Arg1432Leu)

Gene: DYSF (dysferlin; plus strand). Cytogenetic location: 2p13.2.
Variant type: single nucleotide variant.
Coding change: c.4295G>T on transcript NM_001130987.2 (MANE Select); coding-DNA position 4295, G replaced by T.
Protein change: p.Arg1432Leu; replaces arginine 1432 with leucine.
Molecular consequence: missense variant.
Genome position (GRCh38, 1-based): chr2:71,612,714, G>T. VCF-style: chr2-71612714-G-T. GRCh37 (hg19) VCF-style: chr2-71839844-G-T.
Other names: c.4244G>T, p.Arg1415Leu (NM_001130455.2, NM_001130983.2); c.4199G>T, p.Arg1400Leu (NM_001130976.2, NM_001130977.2); c.4241G>T, p.Arg1414Leu (NM_001130978.2, NM_003494.4); c.4334G>T, p.Arg1445Leu (NM_001130979.2); c.4292G>T, p.Arg1431Leu (NM_001130980.2, NM_001130981.2); c.4337G>T, p.Arg1446Leu (NM_001130982.2); c.4202G>T, p.Arg1401Leu (NM_001130984.2, NM_001130986.2); c.4295G>T, p.Arg1432Leu (NM_001130985.2); short protein forms R1432L, R1414L, R1431L, R1401L, R1445L, R1446L, R1400L, R1415L.
Identifiers: ClinVar variation 288303 (VCV000288303.7), dbSNP rs761337469, ClinGen allele CA1706961.
Genomic context (GRCh38, chr2:71,612,714, plus strand): 5'-AGGAGCTCTACTGCCCCCCCATCACCGTCAAGGTCATCGATAACCGCCAGTTTGGCCGCC[G>T]GCCTGTGGTGGGCCAGTGTACCATCCGCTCCCTGGAGAGCTTCCTGTGTGACCCCTACTC-3'
Protein context (NP_001124459.1, residues 1422-1442): KVIDNRQFGR[Arg1432Leu]PVVGQCTIRS